The following is an entry in ClinVar:

ClinVar aggregate classification (germline): Conflicting classifications of pathogenicity. Review status: criteria provided, conflicting classifications (1 of 4 stars). 2 submissions from 2 submitters: Uncertain significance (1); Likely benign (1). Last evaluated 2026-04-23.

Conditions:
Cardiovascular phenotype. Identifiers: MedGen CN230736.

gnomAD v4.1: 32 of 1,606,202 alleles (0.002%); highest among the groups gnomAD compares: Non-Finnish European, 0.0027%; no homozygotes.

Submissions (2):

Ambry Genetics
Classification: Likely benign for Cardiovascular phenotype. Last evaluated: 2026-04-23. Review status: criteria provided, single submitter. Criteria: Ambry Variant Classification Scheme 2023. Collection method: clinical testing. Allele origin: germline.

GeneDx
Classification: Uncertain significance. Last evaluated: 2019-08-07. Review status: criteria provided, single submitter. Criteria: GeneDx Variant Classification Process June 2021. Collection method: clinical testing. Allele origin: germline. Affected: yes.
Comment: Has not been previously published as pathogenic or benign to our knowledge; Not observed at a significant frequency in large population cohorts (Lek et al., 2016); In silico analysis, which includes protein predictors and evolutionary conservation, supports that this variant does not alter protein structure/function

NM_001365276.2(TNXB):c.10510G>T (p.Val3504Leu)

Gene: TNXB (tenascin XB; minus strand). Cytogenetic location: 6p21.33.
Variant type: single nucleotide variant.
Coding change: c.10510G>T on transcript NM_001365276.2 (MANE Select); coding-DNA position 10510, G replaced by T.
Protein change: p.Val3504Leu; replaces valine 3504 with leucine.
Molecular consequence: missense variant.
Genome position (GRCh38, 1-based): chr6:32,046,271, C>A on the plus strand (G>T on the coding strand, the complement: TNXB is on the minus strand). VCF-style: chr6-32046271-C-A. GRCh37 (hg19) VCF-style: chr6-32014048-C-A.
Other names: c.10504G>T, p.Val3502Leu (NM_019105.8); short protein forms V3502L, V3504L.
Identifiers: ClinVar variation 1307769 (VCV001307769.7), dbSNP rs759767266, ClinGen allele CA363528444.
Genomic context (GRCh38, chr6:32,046,271, plus strand): 5'-TTCCCCCAAGGAGCCCGTAGAGCAGAAACTTGTATTTCTTGCCAGGCTCCAGGTCCTCTA[C>A]GGTGACTGTGCGCTGGTCTGCGGCCACAGGCACTGCCCTGGGCTGCCCGTCCGTGTCCCT-3'
Protein context (NP_001352205.1, residues 3494-3514): PVAADQRTVT[Val3504Leu]EDLEPGKKYK